The following is an entry in ClinVar:

NM_024642.5(GALNT12):c.1366G>A (p.Asp456Asn)

Gene: GALNT12 (polypeptide N-acetylgalactosaminyltransferase 12; plus strand). Cytogenetic location: 9q22.33.
Variant type: single nucleotide variant.
Coding change: c.1366G>A on transcript NM_024642.5 (MANE Select); coding-DNA position 1366, G replaced by A.
Protein change: p.Asp456Asn; replaces aspartic acid 456 with asparagine.
Molecular consequence: missense variant.
Genome position (GRCh38, 1-based): chr9:98,844,117, G>A. VCF-style: chr9-98844117-G-A. GRCh37 (hg19) VCF-style: chr9-101606399-G-A.
Other names: short protein forms D456N.
Identifiers: ClinVar variation 1036369 (VCV001036369.12), dbSNP rs763533761, ClinGen allele CA5154255.
Genomic context (GRCh38, chr9:98,844,117, plus strand): 5'-TAAATCTGGACTGAAATGCCACATTTATGTTTTATTTAGCTCCAGAACAAAGGACTAACA[G>A]ACTACTGCTTTGACTATAACCCTCCCGATGAAAACCAGATTGTGGGACACCAGGTCATTC-3'
Protein context (NP_078918.3, residues 446-466): FGMLQNKGLT[Asp456Asn]YCFDYNPPDE

ClinVar aggregate classification (germline): Uncertain significance. Review status: criteria provided, multiple submitters, no conflicts (2 of 4 stars). 3 submissions from 3 submitters: Uncertain significance (3). Last evaluated 2023-05-05.

Allele frequency attached by ClinVar (database versions not stated): gnomAD exomes below 0.00001 and 0.00001; ExAC 0.00002.
gnomAD v4.1: 5 of 1,613,182 alleles (0.00031%); highest among the groups gnomAD compares: Admixed American, 0.0083%; no homozygotes.

Submissions (3):

Ambry Genetics
Classification: Uncertain significance. Last evaluated: 2023-05-05. Review status: criteria provided, single submitter. Criteria: Ambry Variant Classification Scheme 2023. Collection method: clinical testing. Allele origin: germline.
Comment: The p.D456N variant (also known as c.1366G>A), located in coding exon 8 of the GALNT12 gene, results from a G to A substitution at nucleotide position 1366. The aspartic acid at codon 456 is replaced by asparagine, an amino acid with highly similar properties. This amino acid position is poorly conserved in available vertebrate species. In addition, this alteration is predicted to be tolerated by in silico analysis. Since supporting evidence is limited at this time, the clinical significance of this alteration remains unclear.

Labcorp Genetics (formerly Invitae), Labcorp
Classification: Uncertain significance. Last evaluated: 2023-03-08. Review status: criteria provided, single submitter. Criteria: Invitae Variant Classification Sherloc (09022015). Collection method: clinical testing. Allele origin: germline.
Comment: This sequence change replaces aspartic acid, which is acidic and polar, with asparagine, which is neutral and polar, at codon 456 of the GALNT12 protein (p.Asp456Asn). This variant is present in population databases (rs763533761, gnomAD 0.009%). This variant has not been reported in the literature in individuals affected with GALNT12-related conditions. ClinVar contains an entry for this variant (Variation ID: 1036369). Advanced modeling of protein sequence and biophysical properties (such as structural, functional, and spatial information, amino acid conservation, physicochemical variation, residue mobility, and thermodynamic stability) performed at Invitae indicates that this missense variant is not expected to disrupt GALNT12 protein function. In summary, the available evidence is currently insufficient to determine the role of this variant in disease. Therefore, it has been classified as a Variant of Uncertain Significance.

Quest Diagnostics Nichols Institute San Juan Capistrano
Classification: Uncertain significance. Last evaluated: 2023-01-09. Review status: criteria provided, single submitter. Criteria: Quest Diagnostics criteria. Collection method: clinical testing. Allele origin: unknown.
Comment: The variant has not been reported in the published literature. The frequency of this variant in the general population, 0.000087 (3/34592 chromosomes), is uninformative in assessment of its pathogenicity. Analysis of this variant using bioinformatics tools for the prediction of the effect of amino acid changes on protein structure and function yielded predictions that this variant is benign. Based on the available information, we are unable to determine the clinical significance of this variant.